The following is an entry in ClinVar:

NM_004369.4(COL6A3):c.4259T>C (p.Leu1420Ser)

Gene: COL6A3 (collagen type VI alpha 3 chain; minus strand). Cytogenetic location: 2q37.3.
Variant type: single nucleotide variant.
Coding change: c.4259T>C on transcript NM_004369.4 (MANE Select); coding-DNA position 4259, T replaced by C.
Protein change: p.Leu1420Ser; replaces leucine 1420 with serine.
Molecular consequence: missense variant.
Genome position (GRCh38, 1-based): chr2:237,371,758, A>G on the plus strand (T>C on the coding strand, the complement: COL6A3 is on the minus strand). VCF-style: chr2-237371758-A-G. GRCh37 (hg19) VCF-style: chr2-238280401-A-G.
Other names: c.3038T>C, p.Leu1013Ser (NM_057164.5); c.3641T>C, p.Leu1214Ser (NM_057165.5, NM_057167.4); c.2438T>C, p.Leu813Ser (NM_057166.5); short protein forms L1420S, L813S, L1013S, L1214S.
Identifiers: ClinVar variation 3007094 (VCV003007094.3), dbSNP rs772204933, ClinGen allele CA2188963.

ClinVar aggregate classification (germline): Uncertain significance (1 of 4 stars; one submission).

Conditions:
Bethlem myopathy 1A. Also called: MYOPATHY, BENIGN CONGENITAL, WITH CONTRACTURES; Bethlem myopathy 1; Bethlem Muscular Dystrophy. Identifiers: Orphanet 610, MedGen CN029274, MONDO:0024530, OMIM 158810.

Allele frequency attached by ClinVar (database versions not stated): ExAC 0.00001.
gnomAD v4.1: 1 of 1,608,214 alleles (0.000062%); no homozygotes.

Submission:

Labcorp Genetics (formerly Invitae), Labcorp
Classification: Uncertain significance for Bethlem myopathy 1A. Last evaluated: 2023-09-19. Review status: criteria provided, single submitter. Criteria: Invitae Variant Classification Sherloc (09022015). Collection method: clinical testing. Allele origin: germline.
Comment: In summary, the available evidence is currently insufficient to determine the role of this variant in disease. Therefore, it has been classified as a Variant of Uncertain Significance. Advanced modeling of protein sequence and biophysical properties (such as structural, functional, and spatial information, amino acid conservation, physicochemical variation, residue mobility, and thermodynamic stability) performed at Invitae indicates that this missense variant is not expected to disrupt COL6A3 protein function. This variant has not been reported in the literature in individuals affected with COL6A3-related conditions. This variant is present in population databases (rs772204933, gnomAD 0.0009%). This sequence change replaces leucine, which is neutral and non-polar, with serine, which is neutral and polar, at codon 1420 of the COL6A3 protein (p.Leu1420Ser).